The following is an entry in ClinVar:

NM_182914.3(SYNE2):c.4521A>G (p.Gln1507=)

Gene: SYNE2 (spectrin repeat containing nuclear envelope protein 2; plus strand). Cytogenetic location: 14q23.2.
Variant type: single nucleotide variant.
Coding change: c.4521A>G on transcript NM_182914.3 (MANE Select); coding-DNA position 4521, A replaced by G.
Protein change: p.Gln1507=; no amino-acid change (glutamine 1507 retained).
Molecular consequence: synonymous variant.
Genome position (GRCh38, 1-based): chr14:64,007,166, A>G. VCF-style: chr14-64007166-A-G. GRCh37 (hg19) VCF-style: chr14-64473884-A-G.
Other names: c.4521A>G, p.Gln1507= (NM_015180.6).
Identifiers: ClinVar variation 706236 (VCV000706236.34), dbSNP rs187183308, ClinGen allele CA7220232.

ClinVar aggregate classification (germline): Benign/Likely benign. Review status: criteria provided, multiple submitters, no conflicts (2 of 4 stars). 3 submissions from 3 submitters: Benign (2); Likely benign (1). Last evaluated 2026-02-01.

Conditions:
Emery-Dreifuss muscular dystrophy 5, autosomal dominant (EDMD5). Also called: EMERY-DREIFUSS MUSCULAR DYSTROPHY 5. Identifiers: Orphanet 261, MedGen C2751805, MONDO:0013072, OMIM 612999.

Allele frequency attached by ClinVar (database versions not stated): TOPMed 0.00033; ESP Exome Variant Server 0.00051; 1000 Genomes Project 30x 0.00094; 1000 Genomes Project 0.00100; gnomAD exomes 0.00109 and 0.00210; gnomAD 0.00198 and 0.00204; ExAC 0.00204.
gnomAD v4.1: 1,873 of 1,614,210 alleles (0.12%); highest among the groups gnomAD compares: Non-Finnish European, 0.05%; 17 homozygotes.

Submissions (3):

Labcorp Genetics (formerly Invitae), Labcorp
Classification: Benign for Emery-Dreifuss muscular dystrophy 5, autosomal dominant. Last evaluated: 2026-02-01. Review status: criteria provided, single submitter. Criteria: Invitae Variant Classification Sherloc (09022015). Collection method: clinical testing. Allele origin: germline.

Athena Diagnostics
Classification: Benign. Last evaluated: 2025-06-02. Review status: criteria provided, single submitter. Criteria: Athena Diagnostics Criteria. Collection method: clinical testing. Allele origin: unknown.
Comment: The frequency of this variant in the general population is higher than would generally be expected for pathogenic variants in this gene.

CeGaT Center for Human Genetics Tuebingen
Classification: Likely benign. Last evaluated: 2024-05-01. Review status: criteria provided, single submitter. Criteria: CeGaT Center For Human Genetics Tuebingen Variant Classification Criteria Version 2. Collection method: clinical testing. Allele origin: germline. Affected: yes. Observed: 3 variant alleles.
Comment: SYNE2: BP4, BP7